The following is an entry in ClinVar:

NM_001365276.2(TNXB):c.9779C>T (p.Pro3260Leu)

Gene: TNXB (tenascin XB; minus strand). Cytogenetic location: 6p21.33.
Variant type: single nucleotide variant.
Coding change: c.9779C>T on transcript NM_001365276.2 (MANE Select); coding-DNA position 9779, C replaced by T.
Protein change: p.Pro3260Leu; replaces proline 3260 with leucine.
Molecular consequence: missense variant.
Genome position (GRCh38, 1-based): chr6:32,048,629, G>A on the plus strand (C>T on the coding strand, the complement: TNXB is on the minus strand). VCF-style: chr6-32048629-G-A. GRCh37 (hg19) VCF-style: chr6-32016406-G-A.
Other names: p.Pro3258Leu; c.9773C>T, p.Pro3258Leu (NM_019105.8); short protein forms P3258L, P3260L.
Identifiers: ClinVar variation 1254258 (VCV001254258.12), dbSNP rs557119336, ClinGen allele CA3733395.

ClinVar aggregate classification (germline): Conflicting classifications of pathogenicity. Review status: criteria provided, conflicting classifications (1 of 4 stars). 4 submissions from 4 submitters: Uncertain significance (3); Likely benign (1). Last evaluated 2026-02-10.

Conditions:
Cardiovascular phenotype. Identifiers: MedGen CN230736.

Allele frequency attached by ClinVar (database versions not stated): ExAC 0.00005; gnomAD exomes 0.00008; gnomAD 0.00011; TOPMed 0.00013; 1000 Genomes Project 30x 0.00016; 1000 Genomes Project 0.00040.
gnomAD v4.1: 205 of 1,512,630 alleles (0.014%); highest among the groups gnomAD compares: Non-Finnish European, 0.017%; no homozygotes.

Submissions (4):

Women's Health and Genetics/Laboratory Corporation of America, LabCorp
Classification: Uncertain significance. Last evaluated: 2026-02-10. Review status: criteria provided, single submitter. Criteria: LabCorp Variant Classification Summary - May 2015. Collection method: clinical testing. Allele origin: germline.
Comment: Variant summary: TNXB c.9773C>T (p.Pro3258Leu) results in a non-conservative amino acid change in the encoded protein sequence. Algorithms developed to predict the effect of missense changes on protein structure and function are either unavailable or do not agree on the potential impact of this missense change. The variant allele was found at a frequency of 8.2e-05 in 195450 control chromosomes. This frequency is not significantly higher than estimated for disease-causing variants in TNXB, allowing no conclusion about variant significance. To our knowledge, no occurrence of c.9773C>T in individuals affected with TNXB-related conditions and no experimental evidence demonstrating its impact on protein function have been reported. ClinVar contains an entry for this variant (Variation ID: 1254258). Based on the evidence outlined above, the variant was classified as uncertain significance.

GeneDx
Classification: Uncertain significance. Last evaluated: 2025-11-21. Review status: criteria provided, single submitter. Criteria: GeneDx Variant Classification Process June 2021. Collection method: clinical testing. Allele origin: germline. Affected: yes.
Comment: Has not been previously published as pathogenic or benign to our knowledge; In silico analysis supports that this missense variant has a deleterious effect on protein structure/function

Mayo Clinic Laboratories, Mayo Clinic
Classification: Uncertain significance. Last evaluated: 2025-09-11. Review status: criteria provided, single submitter. Criteria: ACMG Guidelines, 2015. Collection method: clinical testing. Allele origin: germline. Observed: 2 variant alleles.
Comment: BP4

Ambry Genetics
Classification: Likely benign for Cardiovascular phenotype. Last evaluated: 2024-08-05. Review status: criteria provided, single submitter. Criteria: Ambry Variant Classification Scheme 2023. Collection method: clinical testing. Allele origin: germline.